The following is an entry in ClinVar:

ClinVar aggregate classification (germline): Likely benign (1 of 4 stars; one submission).

Allele frequency attached by ClinVar (database versions not stated): gnomAD 0.00003; gnomAD exomes 0.00003; TOPMed 0.00006; ESP Exome Variant Server 0.00008; ExAC 0.00009.

Submission:

CeGaT Center for Human Genetics Tuebingen
Classification: Likely benign. Last evaluated: 2024-03-01. Review status: criteria provided, single submitter. Criteria: CeGaT Center For Human Genetics Tuebingen Variant Classification Criteria Version 2. Collection method: clinical testing. Allele origin: germline. Affected: yes. Observed: 1 variant allele.
Comment: GDF9: BP4, BP7

NM_005260.7(GDF9):c.1245A>C (p.Pro415=)

Gene: GDF9 (growth differentiation factor 9; minus strand). Cytogenetic location: 5q31.1.
Variant type: single nucleotide variant.
Coding change: c.1245A>C on transcript NM_005260.7 (MANE Select); coding-DNA position 1245, A replaced by C.
Protein change: p.Pro415=; no amino-acid change (proline 415 retained).
Molecular consequence: synonymous variant.
Genome position (GRCh38, 1-based): chr5:132,861,709, T>G on the plus strand (A>C on the coding strand, the complement: GDF9 is on the minus strand). VCF-style: chr5-132861709-T-G. GRCh37 (hg19) VCF-style: chr5-132197401-T-G.
Other names: c.981A>C, p.Pro327= (NM_001288824.4, NM_001288825.4, NM_001288826.3 and 2 more transcripts).
Identifiers: ClinVar variation 3067433 (VCV003067433.21), dbSNP rs374221648, ClinGen allele CA3408144.